The following is an entry in ClinVar:

ClinVar aggregate classification (germline): Uncertain significance (1 of 4 stars; one submission).

Allele frequency attached by ClinVar (database versions not stated): TOPMed 0.00003.

Submission:

Labcorp Genetics (formerly Invitae), Labcorp
Classification: Uncertain significance. Last evaluated: 2021-09-01. Review status: criteria provided, single submitter. Criteria: Invitae Variant Classification Sherloc (09022015). Collection method: clinical testing. Allele origin: germline.
Comment: This sequence change replaces alanine with valine at codon 2802 of the SZT2 protein (p.Ala2802Val). The alanine residue is highly conserved and there is a small physicochemical difference between alanine and valine. This variant is not present in population databases (ExAC no frequency). This variant has not been reported in the literature in individuals affected with SZT2-related conditions. Algorithms developed to predict the effect of missense changes on protein structure and function are either unavailable or do not agree on the potential impact of this missense change (SIFT: "Deleterious"; PolyPhen-2: "Benign"; Align-GVGD: "Class C0"). In summary, the available evidence is currently insufficient to determine the role of this variant in disease. Therefore, it has been classified as a Variant of Uncertain Significance.

NM_001365999.1(SZT2):c.8576C>T (p.Ala2859Val)

Gene: SZT2 (SZT2 subunit of KICSTOR complex; plus strand). Cytogenetic location: 1p34.2.
Variant type: single nucleotide variant.
Coding change: c.8576C>T on transcript NM_001365999.1 (MANE Select); coding-DNA position 8576, C replaced by T.
Protein change: p.Ala2859Val; replaces alanine 2859 with valine.
Molecular consequence: missense variant.
Genome position (GRCh38, 1-based): chr1:43,443,428, C>T. VCF-style: chr1-43443428-C-T. GRCh37 (hg19) VCF-style: chr1-43909099-C-T.
Other names: c.8405C>T, p.Ala2802Val (NM_015284.4); short protein forms A2859V, A2802V.
Identifiers: ClinVar variation 1385755 (VCV001385755.5), dbSNP rs1018929332, ClinGen allele CA21648927.